The following is an entry in ClinVar:

ClinVar aggregate classification (germline): Uncertain significance (1 of 4 stars; one submission).

Conditions:
Inborn genetic diseases. Identifiers: MedGen C0950123, MeSH D030342.

Submission:

Ambry Genetics
Classification: Uncertain significance for Inborn genetic diseases. Last evaluated: 2026-03-30. Review status: criteria provided, single submitter. Criteria: Ambry Variant Classification Scheme 2023. Collection method: clinical testing. Allele origin: germline.
Comment: The p.K651N variant (also known as c.1953G>C), located in coding exon 11 of the FANCM gene, results from a G to C substitution at nucleotide position 1953. The lysine at codon 651 is replaced by asparagine, an amino acid with similar properties. This amino acid position is conserved. In addition, this alteration is predicted to be tolerated by in silico analysis. Based on the available evidence, the clinical significance of this variant remains unclear.

NM_020937.4(FANCM):c.1953G>C (p.Lys651Asn)

Gene: FANCM (FA complementation group M; plus strand). Cytogenetic location: 14q21.2.
Variant type: single nucleotide variant.
Coding change: c.1953G>C on transcript NM_020937.4 (MANE Select); coding-DNA position 1953, G replaced by C.
Protein change: p.Lys651Asn; replaces lysine 651 with asparagine.
Molecular consequence: missense variant.
Genome position (GRCh38, 1-based): chr14:45,167,114, G>C. VCF-style: chr14-45167114-G-C. GRCh37 (hg19) VCF-style: chr14-45636317-G-C.
Other names: c.1875G>C, p.Lys625Asn (NM_001308133.2); c.1953G>C, p.Lys651Asn (NM_001308134.2); short protein forms K625N, K651N.
Identifiers: ClinVar variation 4871056 (VCV004871056.1).
Genomic context (GRCh38, chr14:45,167,114, plus strand): 5'-TGGAATCAACCCAAAATTACACAAAATGTTCATCACACATGGTGTCTATGAACCAGAGAA[G>C]CCTTCTCGGAACTTGCAGCGAAAGTCATCTATCTTTTCCTATAGGGATGGTAAATAAATT-3'
Protein context (NP_065988.1, residues 641-661): FITHGVYEPE[Lys651Asn]PSRNLQRKSS